The following is an entry in ClinVar:

NM_002334.4(LRP4):c.933A>C (p.Gln311His)

Gene: LRP4 (LDL receptor related protein 4; minus strand). Cytogenetic location: 11p11.2.
Variant type: single nucleotide variant.
Coding change: c.933A>C on transcript NM_002334.4 (MANE Select); coding-DNA position 933, A replaced by C.
Protein change: p.Gln311His; replaces glutamine 311 with histidine.
Molecular consequence: missense variant.
Genome position (GRCh38, 1-based): chr11:46,896,325, T>G on the plus strand (A>C on the coding strand, the complement: LRP4 is on the minus strand). VCF-style: chr11-46896325-T-G. GRCh37 (hg19) VCF-style: chr11-46917876-T-G.
Other names: c.933A>C (NM_002334.3); short protein forms Q311H.
Identifiers: ClinVar variation 2150783 (VCV002150783.2), dbSNP rs375108263, ClinGen allele CA5970322.
Genomic context (GRCh38, chr11:46,896,325, plus strand): 5'-GCACAGCTTCCTCTGCCCAATGCAGCGCCCATTCCAACACAGGAACTGGTCCAAGGCACA[T>G]TGGGGGCTTCCTAGAGAGATGGAGGGTCAGGTCATAGCAAGGCAGGGCTTGGGCCAACAA-3'
Protein context (NP_002325.2, residues 301-321): EENCENTGSP[Gln311His]CALDQFLCWN

ClinVar aggregate classification (germline): Uncertain significance. Review status: criteria provided, multiple submitters, no conflicts (2 of 4 stars). 2 submissions from 2 submitters: Uncertain significance (2). Last evaluated 2025-09-25.

Conditions:
Cenani-Lenz syndactyly syndrome. Also called: CENANI SYNDACTYLISM; SYNDACTYLY, TYPE VII. Identifiers: Orphanet 3258, MedGen C1859309, MONDO:0008931, OMIM 212780.
Congenital myasthenic syndrome 17. Identifiers: Orphanet 590, MedGen C4225377, MONDO:0014578, OMIM 616304.
Sclerosteosis 2 (SOST2). Identifiers: Orphanet 3152, MedGen C3280402, MONDO:0013679, OMIM 614305.
Inborn genetic diseases. Identifiers: MedGen C0950123, MeSH D030342.

gnomAD v4.1: 1 of 1,613,796 alleles (0.000062%); highest among the groups gnomAD compares: South Asian, 0.0011%; no homozygotes.

Submissions (2):

Ambry Genetics
Classification: Uncertain significance for Inborn genetic diseases. Last evaluated: 2025-09-25. Review status: criteria provided, single submitter. Criteria: Ambry Variant Classification Scheme 2023. Collection method: clinical testing. Allele origin: germline.

Labcorp Genetics (formerly Invitae), Labcorp
Classification: Uncertain significance for Cenani-Lenz syndactyly syndrome; Sclerosteosis 2; Congenital myasthenic syndrome 17. Last evaluated: 2022-05-13. Review status: criteria provided, single submitter. Criteria: Invitae Variant Classification Sherloc (09022015). Collection method: clinical testing. Allele origin: germline.
Comment: This sequence change replaces glutamine, which is neutral and polar, with histidine, which is basic and polar, at codon 311 of the LRP4 protein (p.Gln311His). This variant is present in population databases (rs375108263, gnomAD 0.003%). This variant has not been reported in the literature in individuals affected with LRP4-related conditions. Algorithms developed to predict the effect of missense changes on protein structure and function output the following: SIFT: "Deleterious"; PolyPhen-2: "Benign"; Align-GVGD: "Class C0". The histidine amino acid residue is found in multiple mammalian species, which suggests that this missense change does not adversely affect protein function. In summary, the available evidence is currently insufficient to determine the role of this variant in disease. Therefore, it has been classified as a Variant of Uncertain Significance.